The following is an entry in ClinVar:

NM_000531.6(OTC):c.174G>A (p.Trp58Ter)

Gene: OTC (ornithine transcarbamylase; plus strand). Cytogenetic location: Xp11.4.
Variant type: single nucleotide variant.
Coding change: c.174G>A on transcript NM_000531.6 (MANE Select); coding-DNA position 174, G replaced by A.
Protein change: p.Trp58Ter; replaces tryptophan 58 with a stop codon.
Molecular consequence: nonsense.
Genome position (GRCh38, 1-based): chrX:38,367,387, G>A. VCF-style: chrX-38367387-G-A. GRCh37 (hg19) VCF-style: chrX-38226640-G-A.
Other names: short protein forms W58*.
Identifiers: ClinVar variation 97127 (VCV000097127.4), dbSNP rs72554322, ClinGen allele CA224490.

ClinVar aggregate classification (germline): Pathogenic. Review status: criteria provided, single submitter (1 of 4 stars). 2 submissions from 2 submitters: Pathogenic (1). 1 of the submissions does not count toward it. Last evaluated 2022-05-30.

Conditions:
Ornithine carbamoyltransferase deficiency (OTCD). Also called: ORNITHINE TRANSCARBAMYLASE DEFICIENCY, HYPERAMMONEMIA DUE TO; ORNITHINE TRANSCARBAMYLASE DEFICIENCY; OTC DEFICIENCY; Ornithine Carbamoyltransferase Deficiency Disease. Identifiers: Orphanet 664, MedGen C0268542, MONDO:0010703, OMIM 311250.

Submissions (2):

Laboratorio de Genetica e Diagnostico Molecular, Hospital Israelita Albert Einstein
Classification: Pathogenic for Ornithine carbamoyltransferase deficiency. Last evaluated: 2022-05-30. Review status: criteria provided, single submitter. Criteria: ACMG Guidelines, 2015. Collection method: clinical testing. Allele origin: germline.
Comment: ACMG classification criteria: PVS1 very strong, PS4 supporting, PM2 moderated

GenMed Metabolism Lab
Classification: Pathogenic. Review status: no assertion criteria provided. Collection method: not provided. Allele origin: unknown. Not counted in ClinVar's aggregate classification.
Comment: p.Trp58X, Neonatal
ClinVar note: Converted during submission from pathogenic to Pathogenic.